The following is an entry in ClinVar:

ClinVar aggregate classification (germline): Benign (1 of 4 stars; one submission).

Conditions:
Juvenile polyposis syndrome (JPS). Identifiers: Orphanet 2929, MedGen C0345893, MONDO:0017380, OMIM 174900.

gnomAD v4.1: 1 of 1,614,198 alleles (0.000062%); highest among the groups gnomAD compares: Non-Finnish European, 0.000085%; no homozygotes.

Submission:

Myriad Genetics, Inc.
Classification: Benign for Juvenile polyposis syndrome. Last evaluated: 2024-08-08. Review status: criteria provided, single submitter. Criteria: Myriad Autosomal Dominant, Autosomal Recessive and X-Linked Classification Criteria (2023). Collection method: clinical testing. Allele origin: unknown.
Comment: This variant is considered benign. This variant is a silent/synonymous amino acid change and it is not expected to impact splicing.

NM_004329.3(BMPR1A):c.1527C>T (p.Ala509=)

Gene: BMPR1A (bone morphogenetic protein receptor type 1A; plus strand). Cytogenetic location: 10q23.2.
Variant type: single nucleotide variant.
Coding change: c.1527C>T on transcript NM_004329.3 (MANE Select); coding-DNA position 1527, C replaced by T.
Protein change: p.Ala509=; no amino-acid change (alanine 509 retained).
Molecular consequence: synonymous variant. On other transcripts: non-coding transcript variant (3).
Genome position (GRCh38, 1-based): chr10:86,923,647, C>T. VCF-style: chr10-86923647-C-T. GRCh37 (hg19) VCF-style: chr10-88683404-C-T.
Other names: c.1443C>T, p.Ala481= (NM_001406587.1, NM_001406588.1, NM_001406584.1 and 2 more transcripts); c.1185C>T, p.Ala395= (NM_001406589.1); c.1527C>T, p.Ala509= (NM_001406568.1, NM_001406569.1, NM_001406570.1 and 19 more transcripts); c.1521C>T, p.Ala507= (NM_001406583.1); c.1602C>T, p.Ala534= (NM_001406559.1); c.1575C>T, p.Ala525= (NM_001406560.1).
Identifiers: ClinVar variation 3379318 (VCV003379318.1).